The following is an entry in ClinVar:

ClinVar aggregate classification (germline): Uncertain significance (1 of 4 stars; one submission).

gnomAD v4.1: 9 of 1,203,065 alleles (0.00075%); highest among the groups gnomAD compares: African/African-American, 0.011%; no homozygotes.

Submission:

Labcorp Genetics (formerly Invitae), Labcorp
Classification: Uncertain significance. Last evaluated: 2025-01-12. Review status: criteria provided, single submitter. Criteria: Invitae Variant Classification Sherloc (09022015). Collection method: clinical testing. Allele origin: germline.
Comment: This sequence change replaces isoleucine, which is neutral and non-polar, with threonine, which is neutral and polar, at codon 1206 of the POLA1 protein (p.Ile1206Thr). This variant is present in population databases (rs780280477, gnomAD 0.01%). This variant has not been reported in the literature in individuals affected with POLA1-related conditions. Invitae Evidence Modeling of protein sequence and biophysical properties (such as structural, functional, and spatial information, amino acid conservation, physicochemical variation, residue mobility, and thermodynamic stability) indicates that this missense variant is expected to disrupt POLA1 protein function with a positive predictive value of 80%. In summary, the available evidence is currently insufficient to determine the role of this variant in disease. Therefore, it has been classified as a Variant of Uncertain Significance.

NM_001330360.2(POLA1):c.3635T>C (p.Ile1212Thr)

Gene: POLA1 (DNA polymerase alpha 1, catalytic subunit; plus strand). Cytogenetic location: Xp22.11.
Variant type: single nucleotide variant.
Coding change: c.3635T>C on transcript NM_001330360.2 (MANE Select); coding-DNA position 3635, T replaced by C.
Protein change: p.Ile1212Thr; replaces isoleucine 1212 with threonine.
Molecular consequence: missense variant. On other transcripts: non-coding transcript variant (2).
Genome position (GRCh38, 1-based): chrX:24,826,500, T>C. VCF-style: chrX-24826500-T-C. GRCh37 (hg19) VCF-style: chrX-24844617-T-C.
Other names: c.3560T>C, p.Ile1187Thr (NM_001378303.1); c.3617T>C, p.Ile1206Thr (NM_016937.4); short protein forms I1212T, I1187T, I1206T.
Identifiers: ClinVar variation 3681062 (VCV003681062.2).